The following is an entry in ClinVar:

ClinVar aggregate classification (germline): Pathogenic (1 of 4 stars; one submission).

Conditions:
Retinitis pigmentosa 25 (RP25). Identifiers: Orphanet 791, MedGen C1864446, MONDO:0011272, OMIM 602772.

Submission:

Myriad Genetics, Inc.
Classification: Pathogenic for Retinitis pigmentosa 25. Last evaluated: 2025-10-14. Review status: criteria provided, single submitter. Criteria: Myriad Autosomal Dominant, Autosomal Recessive and X-Linked Classification Criteria (2023). Collection method: clinical testing. Allele origin: unknown.
Comment: NM_001142800.1(EYS):c.6452dupA(N2151Kfs*20) is a frameshift variant classified as pathogenic in the context of retinitis pigmentosa, EYS-related. N2151Kfs*20 has not been observed in cases with relevant disease. Relevant functional assessments of this variant are not available in the literature. N2151Kfs*20 has not been observed in referenced population frequency databases. In summary, NM_001142800.1(EYS):c.6452dupA(N2151Kfs*20) is a frameshift variant in a gene where loss of function is a known mechanism of disease and is predicted to disrupt protein function. Please note: this variant was assessed in the context of healthy population screening.

NM_001142800.2(EYS):c.6452dup (p.Asn2151fs)

Gene: EYS (EGF-like photoreceptor maintenance factor; minus strand). Cytogenetic location: 6q12.
Variant type: Duplication.
Coding change: c.6452dup on transcript NM_001142800.2 (MANE Select); coding-DNA position 6452, one base duplicated (A; older notation c.6452dupA).
Protein change: p.Asn2151fs; shifts the reading frame from asparagine 2151.
Molecular consequence: frameshift variant.
Genome position (GRCh38, 1-based): chr6:64,081,975, T duplicated on the plus strand (A on the coding strand, the reverse complement: EYS is on the minus strand); the first of 2 consecutive T bases (chr6:64,081,975-64,081,976); duplicating either gives the same sequence. VCF-style (leftmost placement, unchanged base first): chr6-64081974-A-AT. GRCh37 (hg19) VCF-style: chr6-64791867-A-AT.
Other names: c.6452dup, p.Asn2151fs (NM_001292009.2); short protein forms N2151fs.
Identifiers: ClinVar variation 5004223 (VCV005004223.1).